The following is an entry in ClinVar:

ClinVar aggregate classification (germline): Uncertain significance (1 of 4 stars; one submission).

Conditions:
Hyperphosphatasia with impaired intellectual development syndrome 2. Also called: GLYCOSYLPHOSPHATIDYLINOSITOL BIOSYNTHESIS DEFECT 6; Hyperphosphatasia with intellectual disability syndrome 2. Identifiers: Orphanet 247262, MedGen C3553637, MONDO:0013882, OMIM 614749.

gnomAD v4.1: 5 of 1,614,160 alleles (0.00031%); highest among the groups gnomAD compares: Non-Finnish European, 0.00042%; no homozygotes.

Submission:

Labcorp Genetics (formerly Invitae), Labcorp
Classification: Uncertain significance for Hyperphosphatasia with impaired intellectual development syndrome 2. Last evaluated: 2024-06-17. Review status: criteria provided, single submitter. Criteria: Invitae Variant Classification Sherloc (09022015). Collection method: clinical testing. Allele origin: germline.
Comment: This sequence change replaces arginine, which is basic and polar, with leucine, which is neutral and non-polar, at codon 556 of the PIGO protein (p.Arg556Leu). This variant is not present in population databases (gnomAD no frequency). This variant has not been reported in the literature in individuals affected with PIGO-related conditions. An algorithm developed to predict the effect of missense changes on protein structure and function (PolyPhen-2) suggests that this variant is likely to be disruptive. In summary, the available evidence is currently insufficient to determine the role of this variant in disease. Therefore, it has been classified as a Variant of Uncertain Significance.

NM_032634.4(PIGO):c.1667G>T (p.Arg556Leu)

Gene: PIGO (phosphatidylinositol glycan anchor biosynthesis class O; minus strand). Cytogenetic location: 9p13.3.
Variant type: single nucleotide variant.
Coding change: c.1667G>T on transcript NM_032634.4 (MANE Select); coding-DNA position 1667, G replaced by T.
Protein change: p.Arg556Leu; replaces arginine 556 with leucine.
Molecular consequence: missense variant. On other transcripts: intron variant (2).
Genome position (GRCh38, 1-based): chr9:35,092,220, C>A on the plus strand (G>T on the coding strand, the complement: PIGO is on the minus strand). VCF-style: chr9-35092220-C-A. GRCh37 (hg19) VCF-style: chr9-35092217-C-A.
Other names: c.1344+323G>T (NM_152850.4, NM_001201484.2); short protein forms R556L.
Identifiers: ClinVar variation 1984432 (VCV001984432.4), dbSNP rs200967782, ClinGen allele CA373321659.